The following is an entry in ClinVar:

NM_001278116.2(L1CAM):c.1050C>T (p.Ala350=)

Gene: L1CAM (L1 cell adhesion molecule; minus strand). Cytogenetic location: Xq28.
Variant type: single nucleotide variant.
Coding change: c.1050C>T on transcript NM_001278116.2 (MANE Select); coding-DNA position 1050, C replaced by T.
Protein change: p.Ala350=; no amino-acid change (alanine 350 retained).
Molecular consequence: synonymous variant.
Genome position (GRCh38, 1-based): chrX:153,869,876, G>A on the plus strand (C>T on the coding strand, the complement: L1CAM is on the minus strand). VCF-style: chrX-153869876-G-A. GRCh37 (hg19) VCF-style: chrX-153135331-G-A.
Other names: c.1050C>T, p.Ala350= (NM_000425.5, NM_024003.3); c.1035C>T, p.Ala345= (NM_001143963.2).
Identifiers: ClinVar variation 696090 (VCV000696090.32), dbSNP rs182851917, ClinGen allele CA10554441.

ClinVar aggregate classification (germline): Benign/Likely benign. Review status: criteria provided, multiple submitters, no conflicts (2 of 4 stars). 3 submissions from 3 submitters: Benign (1); Likely benign (2). Last evaluated 2025-08-01.

Conditions:
Spastic paraplegia. Identifiers: MedGen C0037772, HP:0001258.

Allele frequency attached by ClinVar (database versions not stated): gnomAD 0.00003; TOPMed 0.00003; gnomAD exomes 0.00005 and 0.00007; ExAC 0.00007; ESP Exome Variant Server 0.00009; 1000 Genomes Project 30x 0.00021; 1000 Genomes Project 0.00026.
gnomAD v4.1: 82 of 1,208,507 alleles (0.0068%); highest among the groups gnomAD compares: Non-Finnish European, 0.0089%; no homozygotes.

Submissions (3):

CeGaT Center for Human Genetics Tuebingen
Classification: Likely benign. Last evaluated: 2025-08-01. Review status: criteria provided, single submitter. Criteria: CeGaT Center For Human Genetics Tuebingen Variant Classification Criteria Version 2. Collection method: clinical testing. Allele origin: germline. Affected: yes. Observed: 3 variant alleles.
Comment: L1CAM: BP4, BP7, BS2

Labcorp Genetics (formerly Invitae), Labcorp
Classification: Benign for Spastic paraplegia. Last evaluated: 2025-03-03. Review status: criteria provided, single submitter. Criteria: Invitae Variant Classification Sherloc (09022015). Collection method: clinical testing. Allele origin: germline.

Blueprint Genetics
Classification: Likely benign. Last evaluated: 2024-09-13. Review status: criteria provided, single submitter. Criteria: ACMG Guidelines, 2015. Collection method: clinical testing. Allele origin: germline.